The following is an entry in ClinVar:

NM_020223.4(FAM20C):c.1653C>T (p.Arg551=)

Gene: FAM20C (FAM20C golgi associated secretory pathway kinase; plus strand). Cytogenetic location: 7p22.3.
Variant type: single nucleotide variant.
Coding change: c.1653C>T on transcript NM_020223.4 (MANE Select); coding-DNA position 1653, C replaced by T.
Protein change: p.Arg551=; no amino-acid change (arginine 551 retained).
Molecular consequence: synonymous variant.
Genome position (GRCh38, 1-based): chr7:259,878, C>T. VCF-style: chr7-259878-C-T. GRCh37 (hg19) VCF-style: chr7-299844-C-T.
Other names: c.1653C>T (NM_020223.3).
Identifiers: ClinVar variation 1577522 (VCV001577522.11), dbSNP rs766020600, ClinGen allele CA4109213.

ClinVar aggregate classification (germline): Likely benign. Review status: criteria provided, multiple submitters, no conflicts (2 of 4 stars). 3 submissions from 3 submitters: Likely benign (3). Last evaluated 2026-06-01.

Conditions:
FAM20C-related disorder. Also called: FAM20C-related condition.

Allele frequency attached by ClinVar (database versions not stated): ExAC 0.00006; 1000 Genomes Project 30x 0.00016.
gnomAD v4.1: 186 of 1,536,202 alleles (0.012%); highest among the groups gnomAD compares: Middle Eastern, 0.33%; no homozygotes.

Submissions (3):

CeGaT Center for Human Genetics Tuebingen
Classification: Likely benign. Last evaluated: 2026-06-01. Review status: criteria provided, single submitter. Criteria: CeGaT Center For Human Genetics Tuebingen Variant Classification Criteria Version 2. Collection method: clinical testing. Allele origin: germline. Affected: yes. Observed: 1 variant allele.
Comment: FAM20C: BP4, BP7

Labcorp Genetics (formerly Invitae), Labcorp
Classification: Likely benign. Last evaluated: 2025-10-09. Review status: criteria provided, single submitter. Criteria: Invitae Variant Classification Sherloc (09022015). Collection method: clinical testing. Allele origin: germline.

PreventionGenetics, part of Exact Sciences
Classification: Likely benign for FAM20C-related condition. Last evaluated: 2025-06-16. Review status: criteria provided, single submitter. Criteria: ACMG Guidelines, 2015. Collection method: clinical testing. Allele origin: germline.
Comment: This variant is classified as likely benign based on ACMG/AMP sequence variant interpretation guidelines (Richards et al. 2015 PMID: 25741868, with internal and published modifications).